The following is an entry in ClinVar:

NM_001130987.2(DYSF):c.4356G>A (p.Ser1452=)

Gene: DYSF (dysferlin; plus strand). Cytogenetic location: 2p13.2.
Variant type: single nucleotide variant.
Coding change: c.4356G>A on transcript NM_001130987.2 (MANE Select); coding-DNA position 4356, G replaced by A.
Protein change: p.Ser1452=; no amino-acid change (serine 1452 retained).
Molecular consequence: synonymous variant.
Genome position (GRCh38, 1-based): chr2:71,612,775, G>A. VCF-style: chr2-71612775-G-A. GRCh37 (hg19) VCF-style: chr2-71839905-G-A.
Other names: c.4305G>A, p.Ser1435= (NM_001130455.2, NM_001130983.2); c.4260G>A, p.Ser1420= (NM_001130976.2, NM_001130977.2); c.4302G>A, p.Ser1434= (NM_001130978.2, NM_003494.4); c.4395G>A, p.Ser1465= (NM_001130979.2); c.4353G>A, p.Ser1451= (NM_001130980.2, NM_001130981.2); c.4398G>A, p.Ser1466= (NM_001130982.2); c.4263G>A, p.Ser1421= (NM_001130984.2, NM_001130986.2); c.4356G>A, p.Ser1452= (NM_001130985.2).
Identifiers: ClinVar variation 569760 (VCV000569760.14), dbSNP rs368451006, ClinGen allele CA1706973.

ClinVar aggregate classification (germline): Conflicting classifications of pathogenicity. Review status: criteria provided, conflicting classifications (1 of 4 stars). 4 submissions from 4 submitters: Uncertain significance (1); Likely benign (2). 1 of the submissions does not count toward it. Last evaluated 2026-01-15.

Conditions:
Neuromuscular disease caused by qualitative or quantitative defects of dysferlin. Also called: Qualitative or quantitative defects of dysferlin; Dysferlinopathy. Identifiers: Orphanet 207073, MedGen C2931687, MONDO:0016145.
Autosomal recessive limb-girdle muscular dystrophy type 2B (LGMDR2). Also called: MUSCULAR DYSTROPHY, LIMB-GIRDLE, AUTOSOMAL RECESSIVE 2; Limb-Girdle Muscular Dystrophy Type 2B (LGMD2B); MUSCULAR DYSTROPHY, LIMB-GIRDLE, TYPE 3; Limb-girdle muscular dystrophy, type 2B. Identifiers: Orphanet 268, MedGen C1850889, MONDO:0009676, OMIM 253601.
DYSF-related disorder. Also called: DYSF-related condition; DYSF-related disorders.

Allele frequency attached by ClinVar (database versions not stated): gnomAD 0.00002 and 0.00001; gnomAD exomes 0.00003; ESP Exome Variant Server 0.00008; TOPMed 0.00001; ExAC 0.00002.
gnomAD v4.1: 25 of 1,613,786 alleles (0.0015%); highest among the groups gnomAD compares: South Asian, 0.0066%; no homozygotes.

Submissions (4):

PreventionGenetics, part of Exact Sciences
Classification: Likely benign for DYSF-related condition. Last evaluated: 2026-01-15. Review status: criteria provided, single submitter. Criteria: ACMG Guidelines, 2015. Collection method: clinical testing. Allele origin: germline.
Comment: This variant is classified as likely benign based on ACMG/AMP sequence variant interpretation guidelines (Richards et al. 2015 PMID: 25741868, with internal and published modifications).

Labcorp Genetics (formerly Invitae), Labcorp
Classification: Likely benign for Neuromuscular disease caused by qualitative or quantitative defects of dysferlin. Last evaluated: 2025-10-02. Review status: criteria provided, single submitter. Criteria: Invitae Variant Classification Sherloc (09022015). Collection method: clinical testing. Allele origin: germline.

Illumina Laboratory Services, Illumina
Classification: Uncertain significance for Qualitative or quantitative defects of dysferlin. Last evaluated: 2018-01-15. Review status: criteria provided, single submitter. Criteria: ICSL Variant Classification Criteria 13 December 2019. Collection method: clinical testing. Allele origin: germline.

Natera, Inc.
Classification: Uncertain significance for Limb-girdle muscular dystrophy type 2B. Last evaluated: 2019-10-28. Review status: no assertion criteria provided. Collection method: clinical testing. Allele origin: germline. Not counted in ClinVar's aggregate classification.